The following is an entry in ClinVar:

ClinVar aggregate classification (germline): Likely benign (0 of 4 stars; one submission).

Conditions:
NBEA-related disorder. Also called: NBEA-related condition.

Allele frequency attached by ClinVar (database versions not stated): gnomAD 0.00001; ExAC 0.00002; gnomAD exomes 0.00002.
gnomAD v4.1: 28 of 1,613,540 alleles (0.0017%); highest among the groups gnomAD compares: South Asian, 0.027%; no homozygotes.

Submission:

PreventionGenetics, part of Exact Sciences
Classification: Likely benign for NBEA-related condition. Last evaluated: 2019-05-08. Review status: no assertion criteria provided. Collection method: clinical testing. Allele origin: germline.
Comment: This variant is classified as likely benign based on ACMG/AMP sequence variant interpretation guidelines (Richards et al. 2015 PMID: 25741868, with internal and published modifications).

NM_001385012.1(NBEA):c.5124A>T (p.Ser1708=)

Gene: NBEA (neurobeachin; plus strand). Cytogenetic location: 13q13.3.
Variant type: single nucleotide variant.
Coding change: c.5124A>T on transcript NM_001385012.1 (MANE Select); coding-DNA position 5124, A replaced by T.
Protein change: p.Ser1708=; no amino-acid change (serine 1708 retained).
Molecular consequence: synonymous variant.
Genome position (GRCh38, 1-based): chr13:35,196,060, A>T. VCF-style: chr13-35196060-A-T. GRCh37 (hg19) VCF-style: chr13-35770197-A-T.
Other names: c.5115A>T, p.Ser1705= (NM_001379245.1); c.5124A>T, p.Ser1708= (NM_015678.5).
Identifiers: ClinVar variation 3042002 (VCV003042002.2), dbSNP rs373793307, ClinGen allele CA6947021.